The following is an entry in ClinVar:

NM_133433.4(NIPBL):c.3367del (p.Arg1123fs)

Gene: NIPBL (NIPBL cohesin loading factor; plus strand). Cytogenetic location: 5p13.2.
Variant type: Deletion.
Coding change: c.3367del on transcript NM_133433.4 (MANE Select); coding-DNA position 3367, one base deleted (A; older notation c.3367delA).
Protein change: p.Arg1123fs; shifts the reading frame from arginine 1123.
Molecular consequence: frameshift variant.
Genome position (GRCh38, 1-based): chr5:37,000,435, A deleted; the last of 2 consecutive A bases (chr5:37,000,434-37,000,435); deleting either gives the same sequence. VCF-style (leftmost placement, unchanged base first): chr5-37000433-GA-G. GRCh37 (hg19) VCF-style: chr5-37000535-GA-G.
Other names: c.3367del, p.Arg1123fs (NM_015384.5); short protein forms R1123fs.
Identifiers: ClinVar variation 3764705 (VCV003764705.2).

ClinVar aggregate classification (germline): Pathogenic (1 of 4 stars; one submission).

Conditions:
Cornelia de Lange syndrome 1 (CDLS1). Also called: TYPUS DEGENERATIVUS AMSTELODAMENSIS; Brachmann de Lange syndrome; NIPBL-Related Cornelia de Lange Syndrome. Identifiers: Orphanet 199, MedGen C4551851, MONDO:0007387, OMIM 122470.

Submission:

Juno Genomics, Hangzhou Juno Genomics, Inc
Classification: Pathogenic for Cornelia de Lange syndrome 1. Review status: criteria provided, single submitter. Criteria: ACMG Guidelines, 2015. Collection method: clinical testing. Allele origin: germline. Affected: yes.
Comment: Absent from controls (or at extremely low frequency if recessive) in Genome Aggregation Database, Exome Sequencing Project, 1000 Genomes Project, or Exome Aggregation Consortium.;De novo (both maternity and paternity confirmed) in a patient with the disease and no family history.;Null variant in a gene where loss of function (LOF) is a known mechanism of disease.